The following is an entry in ClinVar:

ClinVar aggregate classification (germline): Uncertain significance (1 of 4 stars; one submission).

Conditions:
Congenital disorder of deglycosylation (CDDG). Identifiers: MedGen C3808991, MONDO:0031376.

Allele frequency attached by ClinVar (database versions not stated): gnomAD exomes below 0.00001; TOPMed 0.00001.

Submission:

Labcorp Genetics (formerly Invitae), Labcorp
Classification: Uncertain significance for Congenital disorder of deglycosylation. Last evaluated: 2018-02-21. Review status: criteria provided, single submitter. Criteria: Invitae Variant Classification Sherloc (09022015). Collection method: clinical testing. Allele origin: germline.
Comment: In summary, the available evidence is currently insufficient to determine the role of this variant in disease. Therefore, it has been classified as a Variant of Uncertain Significance. Algorithms developed to predict the effect of sequence changes on RNA splicing suggest that this variant may create or strengthen a splice site, but this prediction has not been confirmed by published transcriptional studies. This variant has not been reported in the literature in individuals with NGLY1-related disease. This variant is not present in population databases (ExAC no frequency). This sequence change affects codon 591 of the NGLY1 mRNA. It is a 'silent' change, meaning that it does not change the encoded amino acid sequence of the NGLY1 protein.

NM_018297.4(NGLY1):c.1773A>G (p.Gln591=)

Gene: NGLY1 (N-glycanase 1; minus strand). Cytogenetic location: 3p24.2.
Variant type: single nucleotide variant.
Coding change: c.1773A>G on transcript NM_018297.4 (MANE Select); coding-DNA position 1773, A replaced by G.
Protein change: p.Gln591=; no amino-acid change (glutamine 591 retained).
Molecular consequence: synonymous variant. On other transcripts: intron variant (1).
Genome position (GRCh38, 1-based): chr3:25,720,030, T>C on the plus strand (A>G on the coding strand, the complement: NGLY1 is on the minus strand). VCF-style: chr3-25720030-T-C. GRCh37 (hg19) VCF-style: chr3-25761521-T-C.
Other names: c.1719A>G, p.Gln573= (NM_001145293.2); c.1647A>G, p.Gln549= (NM_001145294.2); c.1612-395A>G (NM_001145295.2).
Identifiers: ClinVar variation 567719 (VCV000567719.6), dbSNP rs1165637061, ClinGen allele CA432842625.